The following is an entry in ClinVar:

NM_000317.3(PTS):c.189dup (p.Asp64Ter)

Gene: PTS (6-pyruvoyltetrahydropterin synthase; plus strand). Cytogenetic location: 11q23.1.
Variant type: Duplication.
Coding change: c.189dup on transcript NM_000317.3 (MANE Select); coding-DNA position 189, one base duplicated (T; older notation c.189dupT).
Protein change: p.Asp64Ter; replaces aspartic acid 64 with a stop codon.
Molecular consequence: nonsense.
Genome position (GRCh38, 1-based): chr11:112,230,628, T duplicated; the last of 2 consecutive T bases (chr11:112,230,627-112,230,628); duplicating either gives the same sequence. VCF-style (leftmost placement, unchanged base first): chr11-112230626-A-AT. GRCh37 (hg19) VCF-style: chr11-112101349-A-AT.
Other names: short protein forms D64*.
Identifiers: ClinVar variation 2809631 (VCV002809631.3), dbSNP rs1566816174, ClinGen allele CA601757876.

ClinVar aggregate classification (germline): Pathogenic (1 of 4 stars; one submission).

Conditions:
6-Pyruvoyl-tetrahydrobiopterin synthase deficiency. Also called: 6-Pyruvoyltetrahydropterin Synthase Deficiency; BH4-deficient hyperphenylalaninemia A; HYPERPHENYLALANINEMIA, TETRAHYDROBIOPTERIN-DEFICIENT, DUE TO PTS DEFICIENCY; Hyperphenylalanemia, BH4-deficient, A; Hyperphenylalaninemia due to 6-pyruvoyl-tetrahydropterin synthase deficiency; PTS-Related Tetrahydrobiopterin Deficiency. Identifiers: Orphanet 13, Orphanet 238583, MedGen C0878676, MONDO:0009863, OMIM 261640.

Submission:

Labcorp Genetics (formerly Invitae), Labcorp
Classification: Pathogenic for 6-Pyruvoyl-tetrahydrobiopterin synthase deficiency. Last evaluated: 2026-01-24. Review status: criteria provided, single submitter. Criteria: Invitae Variant Classification Sherloc (09022015). Collection method: clinical testing. Allele origin: germline.
Comment: This sequence change creates a premature translational stop signal (p.Asp64*) in the PTS gene. It is expected to result in an absent or disrupted protein product. Loss-of-function variants in PTS are known to be pathogenic (PMID: 3297709, 16917893). This variant is present in population databases (no rsID available, gnomAD 0.0009%). This variant has not been reported in the literature in individuals affected with PTS-related conditions. ClinVar contains an entry for this variant (Variation ID: 2809631). For these reasons, this variant has been classified as Pathogenic.

Literature cited by the submitters: PubMed 3297709; PubMed 16917893.